The following is an entry in ClinVar:

NM_016233.2(PADI3):c.1852C>T (p.Arg618Trp)

Gene: PADI3 (peptidyl arginine deiminase 3; plus strand). Cytogenetic location: 1p36.13.
Variant type: single nucleotide variant.
Coding change: c.1852C>T on transcript NM_016233.2 (MANE Select); coding-DNA position 1852, C replaced by T.
Protein change: p.Arg618Trp; replaces arginine 618 with tryptophan.
Molecular consequence: missense variant.
Genome position (GRCh38, 1-based): chr1:17,282,936, C>T. VCF-style: chr1-17282936-C-T. GRCh37 (hg19) VCF-style: chr1-17609431-C-T.
Other names: short protein forms R618W.
Identifiers: ClinVar variation 1695750 (VCV001695750.2), dbSNP rs144763474, ClinGen allele CA640257.

ClinVar aggregate classification (germline): Uncertain significance (1 of 4 stars; one submission).

Allele frequency attached by ClinVar (database versions not stated): ExAC 0.00029; 1000 Genomes Project 30x 0.00047; 1000 Genomes Project 0.00060; gnomAD 0.00070 and 0.00076; ESP Exome Variant Server 0.00161.

Submission:

GeneDx
Classification: Uncertain significance. Last evaluated: 2022-01-06. Review status: criteria provided, single submitter. Criteria: GeneDx Variant Classification Process June 2021. Collection method: clinical testing. Allele origin: germline. Affected: yes.
Comment: In silico analysis supports that this missense variant has a deleterious effect on protein structure/function; This variant is associated with the following publications: (PMID: 31785789)